The following is an entry in ClinVar:

NM_024757.5(EHMT1):c.50_85+60del

Gene: EHMT1 (euchromatic histone lysine methyltransferase 1; plus strand). Cytogenetic location: 9q34.3.
Variant type: Deletion.
Coding change: c.50_85+60del on transcript NM_024757.5 (MANE Select); coding-DNA position 50 through 60 bases into the intron after coding-DNA position 85, 96 bases deleted.
Molecular consequence: splice donor variant. On other transcripts: intron variant (2).
Genome position (GRCh38, 1-based): chr9:137,710,995-137,711,090, 96 bases deleted. GRCh37 (hg19): chr9:140,605,447-140,605,542.
Other names: c.50_85+60del (NM_001354263.2, NM_001145527.2, NM_001354611.2); c.-8-5631_-8-5536del (NM_001354259.2, NM_001354612.2).
Identifiers: ClinVar variation 1068268 (VCV001068268.7), dbSNP rs2135388757, ClinGen allele CA2499219805.

ClinVar aggregate classification (germline): Likely pathogenic (1 of 4 stars; one submission).

Conditions:
Kleefstra syndrome 1 (KLEFS1). Identifiers: Orphanet 261494, MedGen C0795833, MONDO:0027407, OMIM 610253.

Submission:

Labcorp Genetics (formerly Invitae), Labcorp
Classification: Likely pathogenic for Kleefstra syndrome 1. Last evaluated: 2020-04-16. Review status: criteria provided, single submitter. Criteria: Invitae Variant Classification Sherloc (09022015). Collection method: clinical testing. Allele origin: germline.
Comment: In summary, the currently available evidence indicates that the variant is pathogenic, but additional data are needed to prove that conclusively. Therefore, this variant has been classified as Likely Pathogenic. Loss-of-function variants in EHMT1 are known to be pathogenic (PMID: 16826528, 19264732). This variant has not been reported in the literature in individuals with EHMT1-related conditions. This variant is not present in population databases (ExAC no frequency). This variant results in the deletion of part of exon 2 (c.48_85+58del) of the EHMT1 gene. It is expected to disrupt RNA splicing and likely results in an absent or disrupted protein product.

Literature cited by the submitters: PubMed 16826528; PubMed 19264732.